The following is an entry in ClinVar:

NM_001378454.1(ALMS1):c.9757G>T (p.Val3253Phe)

Gene: ALMS1 (ALMS1 centrosome and basal body associated protein; plus strand). Cytogenetic location: 2p13.1.
Variant type: single nucleotide variant.
Coding change: c.9757G>T on transcript NM_001378454.1 (MANE Select); coding-DNA position 9757, G replaced by T.
Protein change: p.Val3253Phe; replaces valine 3253 with phenylalanine.
Molecular consequence: missense variant.
Genome position (GRCh38, 1-based): chr2:73,519,992, G>T. VCF-style: chr2-73519992-G-T. GRCh37 (hg19) VCF-style: chr2-73747119-G-T.
Other names: c.9760G>T, p.Val3254Phe (NM_015120.4); short protein forms V3254F, V3253F.
Identifiers: ClinVar variation 1345287 (VCV001345287.4), dbSNP rs751917932, ClinGen allele CA1714755.

ClinVar aggregate classification (germline): Uncertain significance (1 of 4 stars; one submission).

Conditions:
Alstrom syndrome (ALMS). Identifiers: Orphanet 64, MedGen C0268425, MONDO:0008763, OMIM 203800.

Allele frequency attached by ClinVar (database versions not stated): ExAC 0.00001; gnomAD exomes 0.00001; TOPMed 0.00001.
gnomAD v4.1: 3 of 1,614,052 alleles (0.00019%); highest among the groups gnomAD compares: Admixed American, 0.005%; no homozygotes.

Submission:

Labcorp Genetics (formerly Invitae), Labcorp
Classification: Uncertain significance for Alstrom syndrome. Last evaluated: 2025-11-12. Review status: criteria provided, single submitter. Criteria: Invitae Variant Classification Sherloc (09022015). Collection method: clinical testing. Allele origin: germline.
Comment: This sequence change replaces valine, which is neutral and non-polar, with phenylalanine, which is neutral and non-polar, at codon 3254 of the ALMS1 protein (p.Val3254Phe). This variant is present in population databases (rs751917932, gnomAD 0.009%). This variant has not been reported in the literature in individuals affected with ALMS1-related conditions. ClinVar contains an entry for this variant (Variation ID: 1345287). Experimental studies and prediction algorithms are not available or were not evaluated, and the functional significance of this variant is currently unknown. In summary, the available evidence is currently insufficient to determine the role of this variant in disease. Therefore, it has been classified as a Variant of Uncertain Significance.